The following is an entry in ClinVar:

NM_002207.3(ITGA9):c.2043C>T (p.Leu681=)

Gene: ITGA9 (integrin subunit alpha 9; plus strand). Cytogenetic location: 3p22.2.
Variant type: single nucleotide variant.
Coding change: c.2043C>T on transcript NM_002207.3 (MANE Select); coding-DNA position 2043, C replaced by T.
Protein change: p.Leu681=; no amino-acid change (leucine 681 retained).
Molecular consequence: synonymous variant.
Genome position (GRCh38, 1-based): chr3:37,683,991, C>T. VCF-style: chr3-37683991-C-T. GRCh37 (hg19) VCF-style: chr3-37725482-C-T.
Identifiers: ClinVar variation 3042237 (VCV003042237.2), dbSNP rs146939332, ClinGen allele CA2311024.
Genomic context (GRCh38, chr3:37,683,991, plus strand): 5'-CTCCAACCTCGGAGATGATGCCTATGATGCCAACGTGTCCTTCAATGTTTCCCGGGAGCT[C>T]TTCTTCATCAACATGTGGCAGAAGGTAAGGAGGGCATCCCTGTAAAAAGAGCAGTTGTTC-3'
Protein context (NP_002198.2, residues 671-691): ANVSFNVSRE[Leu681=]FFINMWQKEE

ClinVar aggregate classification (germline): Likely benign (0 of 4 stars; one submission).

Conditions:
ITGA9-related disorder. Also called: ITGA9-related condition.

Allele frequency attached by ClinVar (database versions not stated): ExAC 0.00021; gnomAD 0.00044; TOPMed 0.00050; ESP Exome Variant Server 0.00054; 1000 Genomes Project 0.00120; 1000 Genomes Project 30x 0.00125.
gnomAD v4.1: 143 of 1,613,832 alleles (0.0089%); highest among the groups gnomAD compares: African/African-American, 0.18%; 1 homozygote.

Submission:

PreventionGenetics, part of Exact Sciences
Classification: Likely benign for ITGA9-related condition. Last evaluated: 2019-02-16. Review status: no assertion criteria provided. Collection method: clinical testing. Allele origin: germline.
Comment: This variant is classified as likely benign based on ACMG/AMP sequence variant interpretation guidelines (Richards et al. 2015 PMID: 25741868, with internal and published modifications).